The following is an entry in ClinVar:

ClinVar aggregate classification (germline): Uncertain significance (1 of 4 stars; one submission).

Conditions:
RASopathy. Also called: rasopathies; Noonan spectrum disorder. Identifiers: Orphanet 536391, MedGen C5555857, MONDO:0021060.

Submission:

Labcorp Genetics (formerly Invitae), Labcorp
Classification: Uncertain significance for RASopathy. Last evaluated: 2025-05-26. Review status: criteria provided, single submitter. Criteria: Invitae Variant Classification Sherloc (09022015). Collection method: clinical testing. Allele origin: germline.
Comment: This sequence change replaces asparagine, which is neutral and polar, with serine, which is neutral and polar, at codon 161 of the PTPN11 protein (p.Asn161Ser). This variant is not present in population databases (gnomAD no frequency). This variant has not been reported in the literature in individuals affected with PTPN11-related conditions. Invitae Evidence Modeling of protein sequence and biophysical properties (such as structural, functional, and spatial information, amino acid conservation, physicochemical variation, residue mobility, and thermodynamic stability) indicates that this missense variant is not expected to disrupt PTPN11 protein function with a negative predictive value of 95%. In summary, the available evidence is currently insufficient to determine the role of this variant in disease. Therefore, it has been classified as a Variant of Uncertain Significance.

NM_002834.5(PTPN11):c.482A>G (p.Asn161Ser)

Gene: PTPN11 (protein tyrosine phosphatase non-receptor type 11; plus strand). Cytogenetic location: 12q24.13.
Variant type: single nucleotide variant.
Coding change: c.482A>G on transcript NM_002834.5 (MANE Select); coding-DNA position 482, A replaced by G.
Protein change: p.Asn161Ser; replaces asparagine 161 with serine.
Molecular consequence: missense variant.
Genome position (GRCh38, 1-based): chr12:112,453,344, A>G. VCF-style: chr12-112453344-A-G. GRCh37 (hg19) VCF-style: chr12-112891148-A-G.
Other names: c.482A>G, p.Asn161Ser (NM_001330437.2, NM_080601.3); c.479A>G, p.Asn160Ser (NM_001374625.1); short protein forms N160S, N161S.
Identifiers: ClinVar variation 4803088 (VCV004803088.1).
Genomic context (GRCh38, chr12:112,453,344, plus strand): 5'-AGAGCCACCCTGGAGATTTTGTTCTTTCTGTGCGCACTGGTGATGACAAAGGGGAGAGCA[A>G]TGACGGCAAGTCTAAAGTGACCCATGTTATGATTCGCTGTCAGGTAAATCTCCAGTTGAA-3'
Protein context (NP_002825.3, residues 151-171): VRTGDDKGES[Asn161Ser]DGKSKVTHVM